The following is an entry in ClinVar:

NM_004304.5(ALK):c.2821A>G (p.Asn941Asp)

Gene: ALK (ALK receptor tyrosine kinase; minus strand). Cytogenetic location: 2p23.2.
Variant type: single nucleotide variant.
Coding change: c.2821A>G on transcript NM_004304.5 (MANE Select); coding-DNA position 2821, A replaced by G.
Protein change: p.Asn941Asp; replaces asparagine 941 with aspartic acid.
Molecular consequence: missense variant.
Genome position (GRCh38, 1-based): chr2:29,227,667, T>C on the plus strand (A>G on the coding strand, the complement: ALK is on the minus strand). VCF-style: chr2-29227667-T-C. GRCh37 (hg19) VCF-style: chr2-29450533-T-C.
Other names: short protein forms N941D.
Identifiers: ClinVar variation 1796452 (VCV001796452.2), dbSNP rs1379843994, ClinGen allele CA346468932.

ClinVar aggregate classification (germline): Uncertain significance (1 of 4 stars; one submission).

Conditions:
Hereditary cancer-predisposing syndrome. Also called: Tumor predisposition; Hereditary Cancer Syndrome; Neoplastic Syndromes, Hereditary; Hereditary neoplastic syndrome. Identifiers: Orphanet 140162, MedGen C0027672, MeSH D009386, MONDO:0015356.

Submission:

Ambry Genetics
Classification: Uncertain significance for Hereditary cancer-predisposing syndrome. Last evaluated: 2022-05-11. Review status: criteria provided, single submitter. Criteria: Ambry Variant Classification Scheme 2023. Collection method: clinical testing. Allele origin: germline.
Comment: The p.N941D variant (also known as c.2821A>G), located in coding exon 17 of the ALK gene, results from an A to G substitution at nucleotide position 2821. The asparagine at codon 941 is replaced by aspartic acid, an amino acid with highly similar properties. This amino acid position is conserved. In addition, this alteration is predicted to be tolerated by in silico analysis. Since supporting evidence is limited at this time, the clinical significance of this alteration remains unclear.